The following is an entry in ClinVar:

ClinVar aggregate classification (germline): Uncertain significance. Review status: criteria provided, multiple submitters, no conflicts (2 of 4 stars). 3 submissions from 3 submitters: Uncertain significance (3). Last evaluated 2024-12-12.

Conditions:
BARD1-related cancer predisposition. Identifiers: MedGen CN377756, MONDO:0700267.
Hereditary cancer-predisposing syndrome. Also called: Hereditary neoplastic syndrome; Neoplastic Syndromes, Hereditary; Tumor predisposition; Hereditary Cancer Syndrome. Identifiers: Orphanet 140162, MedGen C0027672, MeSH D009386, MONDO:0015356.

gnomAD v4.1: 2 of 1,614,000 alleles (0.00012%); highest among the groups gnomAD compares: East Asian, 0.0045%; no homozygotes.

Submissions (3):

Department of Pathology and Laboratory Medicine, Sinai Health System
Classification: Uncertain significance for BARD1-related cancer predisposition. Last evaluated: 2024-12-12. Review status: criteria provided, single submitter. Criteria: ACMG Guidelines, 2015. Collection method: clinical testing. Allele origin: germline.

Ambry Genetics
Classification: Uncertain significance for Hereditary cancer-predisposing syndrome. Last evaluated: 2021-02-12. Review status: criteria provided, single submitter. Criteria: Ambry Variant Classification Scheme 2023. Collection method: clinical testing. Allele origin: germline.
Comment: The p.D500Y variant (also known as c.1498G>T), located in coding exon 6 of the BARD1 gene, results from a G to T substitution at nucleotide position 1498. The aspartic acid at codon 500 is replaced by tyrosine, an amino acid with highly dissimilar properties. This amino acid position is highly conserved in available vertebrate species. In addition, this alteration is predicted to be deleterious by in silico analysis. Since supporting evidence is limited at this time, the clinical significance of this alteration remains unclear.

GeneDx
Classification: Uncertain significance. Last evaluated: 2016-08-01. Review status: criteria provided, single submitter. Criteria: GeneDx Variant Classification (06012015). Collection method: clinical testing. Allele origin: germline. Affected: yes.
Comment: This variant is denoted BARD1 c.1498G>T at the cDNA level, p.Asp500Tyr (D500Y) at the protein level, and results in the change of an Aspartic Acid to a Tyrosine (GAT>TAT). This variant has not, to our knowledge, been published in the literature as pathogenic or benign. BARD1 Asp500Tyr was not observed in approximately 6,500 individuals of European and African American ancestry in the NHLBI Exome Sequencing Project, suggesting it is not a common benign variant in these populations. Since Aspartic Acid and Tyrosine differ in polarity, charge, size or other properties, this is considered a non-conservative amino acid substitution. BARD1 Asp500Tyr occurs at a position that is conserved across species and is located in the ANK3 repeat (UniProt). In silico analyses predict that this variant is probably damaging to protein structure and function. Based on currently available evidence, it is unclear whether BARD1 Asp500Tyr is a pathogenic or benign variant. We consider it to be a variant of uncertain significance.

NM_000465.4(BARD1):c.1498G>T (p.Asp500Tyr)

Gene: BARD1 (BRCA1 associated RING domain 1; minus strand). Cytogenetic location: 2q35.
Variant type: single nucleotide variant.
Coding change: c.1498G>T on transcript NM_000465.4 (MANE Select); coding-DNA position 1498, G replaced by T.
Protein change: p.Asp500Tyr; replaces aspartic acid 500 with tyrosine.
Molecular consequence: missense variant. On other transcripts: non-coding transcript variant (3), intron variant (3).
Genome position (GRCh38, 1-based): chr2:214,767,552, C>A on the plus strand (G>T on the coding strand, the complement: BARD1 is on the minus strand). VCF-style: chr2-214767552-C-A. GRCh37 (hg19) VCF-style: chr2-215632276-C-A.
Other names: c.1441G>T, p.Asp481Tyr (NM_001282543.2); c.159-14997G>T (NM_001282548.2); c.216-14997G>T (NM_001282545.2); c.364+24745G>T (NM_001282549.2); short protein forms D500Y, D481Y.
Identifiers: ClinVar variation 421892 (VCV000421892.5), dbSNP rs779468443, ClinGen allele CA16617436.